The following is an entry in ClinVar:

ClinVar aggregate classification (germline): Uncertain significance. Review status: criteria provided, multiple submitters, no conflicts (2 of 4 stars). 5 submissions from 5 submitters: Uncertain significance (4). 1 of the submissions does not count toward it. Last evaluated 2025-02-05.

Conditions:
Glycogen storage disease, type V (GSD5). Also called: PYGM DEFICIENCY; McArdle type glycogen storage disease; MCARDLE DISEASE; MUSCLE GLYCOGEN PHOSPHORYLASE DEFICIENCY; MYOPHOSPHORYLASE DEFICIENCY. Identifiers: Orphanet 368, MedGen C0017924, MONDO:0009293, OMIM 232600.

Allele frequency attached by ClinVar (database versions not stated): ExAC 0.00001; gnomAD 0.00002; gnomAD exomes 0.00002 and 0.00004; TOPMed 0.00002.
gnomAD v4.1: 66 of 1,613,992 alleles (0.0041%); highest among the groups gnomAD compares: Non-Finnish European, 0.0052%; no homozygotes.

Submissions (5):

Revvity Omics, Revvity
Classification: Uncertain significance for Glycogen storage disease, type V. Last evaluated: 2025-02-05. Review status: criteria provided, single submitter. Criteria: ACMG Guidelines, 2015. Collection method: clinical testing. Allele origin: germline.

GeneDx
Classification: Uncertain significance. Last evaluated: 2024-08-07. Review status: criteria provided, single submitter. Criteria: GeneDx Variant Classification Process June 2021. Collection method: clinical testing. Allele origin: germline. Affected: yes.
Comment: Not observed at significant frequency in large population cohorts (gnomAD); In silico analysis supports that this missense variant has a deleterious effect on protein structure/function; Has not been previously published as pathogenic or benign to our knowledge

Fulgent Genetics
Classification: Uncertain significance for Glycogen storage disease, type V. Last evaluated: 2021-12-03. Review status: criteria provided, single submitter. Criteria: ACMG Guidelines, 2015. Collection method: clinical testing. Allele origin: unknown.

Mayo Clinic Laboratories, Mayo Clinic
Classification: Uncertain significance. Last evaluated: 2019-07-28. Review status: criteria provided, single submitter. Criteria: ACMG Guidelines, 2015. Collection method: clinical testing. Allele origin: germline.

Natera, Inc.
Classification: Uncertain significance for Glycogen storage disease V. Last evaluated: 2020-04-14. Review status: no assertion criteria provided. Collection method: clinical testing. Allele origin: germline. Not counted in ClinVar's aggregate classification.

NM_005609.4(PYGM):c.658C>A (p.Gln220Lys)

Gene: PYGM (glycogen phosphorylase, muscle associated; minus strand). Cytogenetic location: 11q13.1.
Variant type: single nucleotide variant.
Coding change: c.658C>A on transcript NM_005609.4 (MANE Select); coding-DNA position 658, C replaced by A.
Protein change: p.Gln220Lys; replaces glutamine 220 with lysine.
Molecular consequence: missense variant.
Genome position (GRCh38, 1-based): chr11:64,757,781, G>T on the plus strand (C>A on the coding strand, the complement: PYGM is on the minus strand). VCF-style: chr11-64757781-G-T. GRCh37 (hg19) VCF-style: chr11-64525253-G-T.
Other names: c.394C>A, p.Gln132Lys (NM_001164716.1); short protein forms Q132K, Q220K.
Identifiers: ClinVar variation 990055 (VCV000990055.10), dbSNP rs753533515, ClinGen allele CA6080180.